The following is an entry in ClinVar:

ClinVar aggregate classification (germline): Uncertain significance (1 of 4 stars; one submission).

Submission:

GeneDx
Classification: Uncertain significance. Last evaluated: 2026-01-17. Review status: criteria provided, single submitter. Criteria: GeneDx Variant Classification Process June 2021. Collection method: clinical testing. Allele origin: germline.
Comment: Not observed at significant frequency in large population cohorts (gnomAD); In silico analysis suggests that this missense variant does not alter protein structure/function; Has not been previously published as pathogenic or benign to our knowledge

NM_001081550.2(THOC2):c.1238A>G (p.Gln413Arg)

Gene: THOC2 (THO complex subunit 2; minus strand). Cytogenetic location: Xq25.
Variant type: single nucleotide variant.
Coding change: c.1238A>G on transcript NM_001081550.2 (MANE Select); coding-DNA position 1238, A replaced by G.
Protein change: p.Gln413Arg; replaces glutamine 413 with arginine.
Molecular consequence: missense variant.
Genome position (GRCh38, 1-based): chrX:123,665,790, T>C on the plus strand (A>G on the coding strand, the complement: THOC2 is on the minus strand). VCF-style: chrX-123665790-T-C. GRCh37 (hg19) VCF-style: chrX-122799641-T-C.
Other names: short protein forms Q413R.
Identifiers: ClinVar variation 2430594 (VCV002430594.2), dbSNP rs2521694842, ClinGen allele CA414270324.